The following is an entry in ClinVar:

NM_033026.6(PCLO):c.11342G>A (p.Arg3781Gln)

Gene: PCLO (piccolo presynaptic cytomatrix protein; minus strand). Cytogenetic location: 7q21.11.
Variant type: single nucleotide variant.
Coding change: c.11342G>A on transcript NM_033026.6 (MANE Select); coding-DNA position 11342, G replaced by A.
Protein change: p.Arg3781Gln; replaces arginine 3781 with glutamine.
Molecular consequence: missense variant.
Genome position (GRCh38, 1-based): chr7:82,916,644, C>T on the plus strand (G>A on the coding strand, the complement: PCLO is on the minus strand). VCF-style: chr7-82916644-C-T. GRCh37 (hg19) VCF-style: chr7-82545960-C-T.
Other names: c.11342G>A, p.Arg3781Gln (NM_014510.3); short protein forms R3781Q.
Identifiers: ClinVar variation 4538588 (VCV004538588.1).

ClinVar aggregate classification (germline): Uncertain significance (1 of 4 stars; one submission).

gnomAD v4.1: 3 of 1,613,590 alleles (0.00019%); highest among the groups gnomAD compares: South Asian, 0.0011%; no homozygotes.

Submission:

GeneDx
Classification: Uncertain significance. Last evaluated: 2025-06-17. Review status: criteria provided, single submitter. Criteria: GeneDx Variant Classification Process June 2021. Collection method: clinical testing. Allele origin: germline. Affected: yes.
Comment: Not observed at significant frequency in large population cohorts (gnomAD); In silico analysis supports that this missense variant has a deleterious effect on protein structure/function; Has not been previously published as pathogenic or benign to our knowledge